The following is an entry in ClinVar:

NM_001165963.4(SCN1A):c.4905C>G (p.Phe1635Leu)

Genes: SCN1A (sodium voltage-gated channel alpha subunit 1; minus strand), LOC102724058 (uncharacterized LOC102724058; plus strand). Cytogenetic location: 2q24.3.
Variant type: single nucleotide variant.
Coding change: c.4905C>G on transcript NM_001165963.4 (MANE Select); coding-DNA position 4905, C replaced by G.
Protein change: p.Phe1635Leu; replaces phenylalanine 1635 with leucine.
Molecular consequence: missense variant. On other transcripts: non-coding transcript variant (1).
Genome position (GRCh38, 1-based): chr2:165,992,370, G>C on the plus strand (C>G on the coding strand, the complement: SCN1A is on the minus strand). VCF-style: chr2-165992370-G-C. GRCh37 (hg19) VCF-style: chr2-166848880-G-C.
Other names: c.4821C>G, p.Phe1607Leu (NM_001165964.3, NM_001353957.2, NM_001353958.2); c.4905C>G, p.Phe1635Leu (NM_001202435.3, NM_001353948.2); c.4872C>G, p.Phe1624Leu (NM_001353949.2, NM_001353950.2, NM_001353951.2 and 2 more transcripts); c.4869C>G, p.Phe1623Leu (NM_001353954.2, NM_001353955.2); c.4818C>G, p.Phe1606Leu (NM_001353960.2); c.2463C>G, p.Phe821Leu (NM_001353961.2); c.4905C>G (NM_001202435.1); short protein forms F1606L, F1607L, F1623L, F1624L, F1635L, F821L.
Identifiers: ClinVar variation 1298835 (VCV001298835.36), dbSNP rs774858072, ClinGen allele CA349070349.

ClinVar aggregate classification (germline): Uncertain significance. Review status: criteria provided, multiple submitters, no conflicts (2 of 4 stars). 2 submissions from 2 submitters: Uncertain significance (2). Last evaluated 2025-02-10.

Conditions:
SCN1A-related disorder. Also called: SCN1A-related disorders; SCN1A-related conditions; SCN1A-related condition.

Submissions (2):

PreventionGenetics, part of Exact Sciences
Classification: Uncertain significance for SCN1A-related condition. Last evaluated: 2025-02-10. Review status: criteria provided, single submitter. Criteria: ACMG Guidelines, 2015. Collection method: clinical testing. Allele origin: germline.
Comment: The SCN1A c.4905C>G variant is predicted to result in the amino acid substitution p.Phe1635Leu. This variant was reported in an individual with febrile seizures plus and generalized seizures; however, it was found to be inherited from the individual's unaffected mother (Zhang et al. 2017. PubMed ID: 28842445). This variant has not been reported in a large population database (gnomAD), indicating it is rare. Although we suspect this variant may be pathogenic, its clinical significance is currently uncertain due to the absence of conclusive functional and genetic evidence.

CeGaT Center for Human Genetics Tuebingen
Classification: Uncertain significance. Last evaluated: 2021-09-01. Review status: criteria provided, single submitter. Criteria: CeGaT Center For Human Genetics Tuebingen Variant Classification Criteria Version 2. Collection method: clinical testing. Allele origin: germline. Affected: yes. Observed: 1 variant allele.